The following is an entry in ClinVar:

ClinVar aggregate classification (germline): Uncertain significance (1 of 4 stars; one submission).

Allele frequency attached by ClinVar (database versions not stated): gnomAD exomes below 0.00001; TOPMed below 0.00001.
gnomAD v4.1: 1 of 1,613,876 alleles (0.000062%); highest among the groups gnomAD compares: African/African-American, 0.0013%; no homozygotes.

Submission:

Labcorp Genetics (formerly Invitae), Labcorp
Classification: Uncertain significance. Last evaluated: 2023-08-10. Review status: criteria provided, single submitter. Criteria: Invitae Variant Classification Sherloc (09022015). Collection method: clinical testing. Allele origin: germline.
Comment: This sequence change replaces threonine, which is neutral and polar, with isoleucine, which is neutral and non-polar, at codon 248 of the MDH2 protein (p.Thr248Ile). This variant is present in population databases (no rsID available, gnomAD 0.007%). This variant has not been reported in the literature in individuals affected with MDH2-related conditions. ClinVar contains an entry for this variant (Variation ID: 2007548). Advanced modeling of protein sequence and biophysical properties (such as structural, functional, and spatial information, amino acid conservation, physicochemical variation, residue mobility, and thermodynamic stability) performed at Invitae indicates that this missense variant is expected to disrupt MDH2 protein function. In summary, the available evidence is currently insufficient to determine the role of this variant in disease. Therefore, it has been classified as a Variant of Uncertain Significance.

NM_005918.4(MDH2):c.743C>T (p.Thr248Ile)

Gene: MDH2 (malate dehydrogenase 2; plus strand). Cytogenetic location: 7q11.23.
Variant type: single nucleotide variant.
Coding change: c.743C>T on transcript NM_005918.4 (MANE Select); coding-DNA position 743, C replaced by T.
Protein change: p.Thr248Ile; replaces threonine 248 with isoleucine.
Molecular consequence: missense variant.
Genome position (GRCh38, 1-based): chr7:76,064,811, C>T. VCF-style: chr7-76064811-C-T. GRCh37 (hg19) VCF-style: chr7-75694129-C-T.
Other names: c.617C>T, p.Thr206Ile (NM_001282403.2); c.422C>T, p.Thr141Ile (NM_001282404.2); short protein forms T141I, T248I, T206I.
Identifiers: ClinVar variation 2007548 (VCV002007548.4), dbSNP rs1554587582, ClinGen allele CA367767934.
Genomic context (GRCh38, chr7:76,064,811, plus strand): 5'-GGGCGTCACGTTTGTGGCACCAGCCAGGCTGACCTGTCTGTGCCCCCCTAGGCTCTGCCA[C>T]CCTCTCCATGGCGTATGCCGGCGCCCGCTTTGTCTTCTCCCTTGTGGATGCAATGAATGG-3'
Protein context (NP_005909.2, residues 238-258): VKAKAGAGSA[Thr248Ile]LSMAYAGARF